The following is an entry in ClinVar:

ClinVar aggregate classification (germline): Uncertain significance (1 of 4 stars; one submission).

Allele frequency attached by ClinVar (database versions not stated): gnomAD exomes below 0.00001; gnomAD 0.00001; TOPMed 0.00001.

Submission:

Labcorp Genetics (formerly Invitae), Labcorp
Classification: Uncertain significance. Last evaluated: 2023-11-03. Review status: criteria provided, single submitter. Criteria: Invitae Variant Classification Sherloc (09022015). Collection method: clinical testing. Allele origin: germline.
Comment: This sequence change replaces threonine, which is neutral and polar, with alanine, which is neutral and non-polar, at codon 108 of the RHO protein (p.Thr108Ala). This variant is not present in population databases (gnomAD no frequency). This variant has not been reported in the literature in individuals affected with RHO-related conditions. Advanced modeling of protein sequence and biophysical properties (such as structural, functional, and spatial information, amino acid conservation, physicochemical variation, residue mobility, and thermodynamic stability) performed at Invitae indicates that this missense variant is not expected to disrupt RHO protein function with a negative predictive value of 80%. In summary, the available evidence is currently insufficient to determine the role of this variant in disease. Therefore, it has been classified as a Variant of Uncertain Significance.

NM_000539.3(RHO):c.322A>G (p.Thr108Ala)

Gene: RHO (rhodopsin; plus strand). Cytogenetic location: 3q22.1.
Variant type: single nucleotide variant.
Coding change: c.322A>G on transcript NM_000539.3 (MANE Select); coding-DNA position 322, A replaced by G.
Protein change: p.Thr108Ala; replaces threonine 108 with alanine.
Molecular consequence: missense variant.
Genome position (GRCh38, 1-based): chr3:129,529,055, A>G. VCF-style: chr3-129529055-A-G. GRCh37 (hg19) VCF-style: chr3-129247898-A-G.
Other names: short protein forms T108A.
Identifiers: ClinVar variation 2783929 (VCV002783929.3), dbSNP rs1209988233, ClinGen allele CA354496886.